The following is an entry in ClinVar:

NM_001378120.1(MBD5):c.817C>G (p.Leu273Val)

Gene: MBD5 (methyl-CpG binding domain protein 5; plus strand). Cytogenetic location: 2q23.1.
Variant type: single nucleotide variant.
Coding change: c.817C>G on transcript NM_001378120.1 (MANE Select); coding-DNA position 817, C replaced by G.
Protein change: p.Leu273Val; replaces leucine 273 with valine.
Molecular consequence: missense variant.
Genome position (GRCh38, 1-based): chr2:148,468,760, C>G. VCF-style: chr2-148468760-C-G. GRCh37 (hg19) VCF-style: chr2-149226329-C-G.
Other names: c.817C>G (NM_018328.4); c.817C>G, p.Leu273Val (NM_018328.5); short protein forms L273V.
Identifiers: ClinVar variation 1024455 (VCV001024455.10), dbSNP rs776894242, ClinGen allele CA348717785.

ClinVar aggregate classification (germline): Uncertain significance. Review status: criteria provided, multiple submitters, no conflicts (2 of 4 stars). 2 submissions from 2 submitters: Uncertain significance (2). Last evaluated 2023-03-18.

Conditions:
Inborn genetic diseases. Identifiers: MedGen C0950123, MeSH D030342.
Intellectual developmental disorder, autosomal dominant 1. Also called: Intellectual disability, autosomal dominant 1; MBD5 Haploinsufficiency. Identifiers: Orphanet 228402, MedGen C1969562, MONDO:0007974, OMIM 156200.

gnomAD v4.1: 26 of 1,613,988 alleles (0.0016%); highest among the groups gnomAD compares: East Asian, 0.0022%; no homozygotes.

Submissions (2):

Labcorp Genetics (formerly Invitae), Labcorp
Classification: Uncertain significance for Intellectual developmental disorder, autosomal dominant 1. Last evaluated: 2023-03-18. Review status: criteria provided, single submitter. Criteria: Invitae Variant Classification Sherloc (09022015). Collection method: clinical testing. Allele origin: germline.
Comment: In summary, the available evidence is currently insufficient to determine the role of this variant in disease. Therefore, it has been classified as a Variant of Uncertain Significance. Advanced modeling of protein sequence and biophysical properties (such as structural, functional, and spatial information, amino acid conservation, physicochemical variation, residue mobility, and thermodynamic stability) performed at Invitae indicates that this missense variant is not expected to disrupt MBD5 protein function. ClinVar contains an entry for this variant (Variation ID: 1024455). This variant has not been reported in the literature in individuals affected with MBD5-related conditions. This variant is not present in population databases (gnomAD no frequency). This sequence change replaces leucine, which is neutral and non-polar, with valine, which is neutral and non-polar, at codon 273 of the MBD5 protein (p.Leu273Val).

Ambry Genetics
Classification: Uncertain significance for Inborn genetic diseases. Last evaluated: 2022-09-06. Review status: criteria provided, single submitter. Criteria: Ambry Variant Classification Scheme 2023. Collection method: clinical testing. Allele origin: germline.